The following is an entry in ClinVar:

NM_207361.6(FREM2):c.9429G>A (p.Gly3143=)

Gene: FREM2 (FRAS1 related extracellular matrix 2; plus strand). Cytogenetic location: 13q13.3.
Variant type: single nucleotide variant.
Coding change: c.9429G>A on transcript NM_207361.6 (MANE Select); coding-DNA position 9429, G replaced by A.
Protein change: p.Gly3143=; no amino-acid change (glycine 3143 retained).
Molecular consequence: synonymous variant.
Genome position (GRCh38, 1-based): chr13:38,880,706, G>A. VCF-style: chr13-38880706-G-A. GRCh37 (hg19) VCF-style: chr13-39454843-G-A.
Other names: p.Gly3143=.
Identifiers: ClinVar variation 312042 (VCV000312042.14), dbSNP rs41306662, ClinGen allele CA6956384.
Genomic context (GRCh38, chr13:38,880,706, plus strand): 5'-CACCATCTGCCTCACTGTCATTGCAGTGCTGATGTGCAGGGGCAAGGAAAGTTTCAGGGG[G>A]AAGGATGCCCCGAAAGGCTCCAGCAGCAGTGAGCCCATGGTGCCCCCACAGAGCCATCAC-3'
Protein context (NP_997244.4, residues 3133-3153): LMCRGKESFR[Gly3143=]KDAPKGSSSS

ClinVar aggregate classification (germline): Benign. Review status: criteria provided, multiple submitters, no conflicts (2 of 4 stars). 4 submissions from 4 submitters: Benign (4). Last evaluated 2026-02-04.

Conditions:
Fraser syndrome 2 (FRASRS2). Identifiers: MedGen C4540036, MONDO:0054738, OMIM 617666.

Allele frequency attached by ClinVar (database versions not stated): ESP Exome Variant Server 0.01561; 1000 Genomes Project 30x 0.01640; gnomAD 0.01662 and 0.01752; 1000 Genomes Project 0.01697; TOPMed 0.01771; ExAC 0.02128; gnomAD exomes 0.02139 and 0.02167.
gnomAD v4.1: 34,130 of 1,614,172 alleles (2.1%); highest among the groups gnomAD compares: South Asian, 4.4%; 480 homozygotes.

Submissions (4):

Labcorp Genetics (formerly Invitae), Labcorp
Classification: Benign. Last evaluated: 2026-02-04. Review status: criteria provided, single submitter. Criteria: Invitae Variant Classification Sherloc (09022015). Collection method: clinical testing. Allele origin: germline.

Mayo Clinic Laboratories, Mayo Clinic
Classification: Benign. Last evaluated: 2023-04-10. Review status: criteria provided, single submitter. Criteria: ACMG Guidelines, 2015. Collection method: clinical testing. Allele origin: germline. Observed: 5 variant alleles.

Illumina Laboratory Services, Illumina
Classification: Benign for Fraser syndrome 2. Last evaluated: 2018-01-13. Review status: criteria provided, single submitter. Criteria: ICSL Variant Classification Criteria 13 December 2019. Collection method: clinical testing. Allele origin: germline.
Comment: This variant was observed in the ICSL laboratory as part of a predisposition screen in an ostensibly healthy population. It had not been previously curated by ICSL or reported in the Human Gene Mutation Database (HGMD: prior to June 1st, 2018), and was therefore a candidate for classification through an automated scoring system. Utilizing variant allele frequency, disease prevalence and penetrance estimates, and inheritance mode, an automated score was calculated to assess if this variant is too frequent to cause the disease. Based on the score and internal cut-off values, a variant classified as benign is not then subjected to further curation. The score for this variant resulted in a classification of benign for this disease.

Breakthrough Genomics
Classification: Benign. Review status: criteria provided, single submitter. Criteria: ACMG Guidelines, 2015. Collection method: not provided. Allele origin: germline. Inheritance: Autosomal recessive inheritance. Affected: yes.